The following is an entry in ClinVar:

ClinVar aggregate classification (germline): Uncertain significance (1 of 4 stars; one submission).

Conditions:
Brugada syndrome 4 (BRGDA4). Identifiers: Orphanet 130, MedGen C2678477, MONDO:0012743, OMIM 611876.

gnomAD v4.1: 10 of 1,613,638 alleles (0.00062%); highest among the groups gnomAD compares: East Asian, 0.0045%; no homozygotes.

Submission:

Labcorp Genetics (formerly Invitae), Labcorp
Classification: Uncertain significance for Brugada syndrome 4. Last evaluated: 2024-07-31. Review status: criteria provided, single submitter. Criteria: Invitae Variant Classification Sherloc (09022015). Collection method: clinical testing. Allele origin: germline.
Comment: This sequence change replaces valine, which is neutral and non-polar, with methionine, which is neutral and non-polar, at codon 558 of the CACNB2 protein (p.Val558Met). This variant is present in population databases (no rsID available, gnomAD 0.006%). This variant has not been reported in the literature in individuals affected with CACNB2-related conditions. An algorithm developed to predict the effect of missense changes on protein structure and function outputs the following: PolyPhen-2: "Benign". The methionine amino acid residue is found in multiple mammalian species, which suggests that this missense change does not adversely affect protein function. In summary, the available evidence is currently insufficient to determine the role of this variant in disease. Therefore, it has been classified as a Variant of Uncertain Significance.

NM_201596.3(CACNB2):c.1834G>A (p.Val612Met)

Gene: CACNB2 (calcium voltage-gated channel auxiliary subunit beta 2; plus strand). Cytogenetic location: 10p12.31.
Variant type: single nucleotide variant.
Coding change: c.1834G>A on transcript NM_201596.3 (MANE Select); coding-DNA position 1834, G replaced by A.
Protein change: p.Val612Met; replaces valine 612 with methionine.
Molecular consequence: missense variant.
Genome position (GRCh38, 1-based): chr10:18,539,575, G>A. VCF-style: chr10-18539575-G-A. GRCh37 (hg19) VCF-style: chr10-18828504-G-A.
Other names: c.1669G>A, p.Val557Met (NM_000724.4); c.1636G>A, p.Val546Met (NM_001167945.2); c.1555G>A, p.Val519Met (NM_001330060.2); c.1576G>A, p.Val526Met (NM_001410882.1); c.1690G>A, p.Val564Met (NM_201570.3); c.1750G>A, p.Val584Met (NM_201571.4); c.1678G>A, p.Val560Met (NM_201572.4); c.1672G>A, p.Val558Met (NM_201590.3); and 2 more; short protein forms V546M, V526M, V558M, V564M, V612M, V584M, V588M, V519M.
Identifiers: ClinVar variation 3703900 (VCV003703900.2).